The following is an entry in ClinVar:

ClinVar aggregate classification (germline): Likely benign (1 of 4 stars; one submission).

Allele frequency attached by ClinVar (database versions not stated): TOPMed below 0.00001; gnomAD 0.00001 and 0.00002; gnomAD exomes 0.00003; ExAC 0.00005.
gnomAD v4.1: 18 of 1,454,478 alleles (0.0012%); highest among the groups gnomAD compares: South Asian, 0.004%; no homozygotes.

Submission:

GeneDx
Classification: Likely benign. Last evaluated: 2016-10-20. Review status: criteria provided, single submitter. Criteria: GeneDx Variant Classification (06012015). Collection method: clinical testing. Allele origin: germline. Affected: yes.
Comment: This variant is considered likely benign or benign based on one or more of the following criteria: it is a conservative change, it occurs at a poorly conserved position in the protein, it is predicted to be benign by multiple in silico algorithms, and/or has population frequency not consistent with disease.

NM_001003800.2(BICD2):c.-32C>T

Gene: BICD2 (BICD cargo adaptor 2; minus strand). Cytogenetic location: 9q22.31.
Variant type: single nucleotide variant.
Coding change: c.-32C>T on transcript NM_001003800.2 (MANE Select); 32 bases upstream of the start codon, C replaced by T.
Molecular consequence: 5 prime UTR variant.
Genome position (GRCh38, 1-based): chr9:92,764,776, G>A on the plus strand (C>T on the coding strand, the complement: BICD2 is on the minus strand). VCF-style: chr9-92764776-G-A. GRCh37 (hg19) VCF-style: chr9-95527058-G-A.
Other names: c.-32C>T (NM_015250.4).
Identifiers: ClinVar variation 389785 (VCV000389785.1), dbSNP rs751522125, ClinGen allele CA5126910.
Genomic context (GRCh38, chr9:92,764,776, plus strand): 5'-TACTCCTCCTCCTCCGACGGCGCCGACATGGTGGCCGAGGGCTGAGCCGGCTCCCACTGA[G>A]GCTCTCGCAGGCCGGGCCCTCCTCAGCCGCCGCCGCTGCCGCCGCCGCCGCCGCCCTGCC-3'